The following is an entry in ClinVar:

ClinVar aggregate classification (germline): Pathogenic. Review status: reviewed by expert panel (3 of 4 stars). 44 submissions from 44 submitters: Pathogenic (1). 43 of the submissions do not count toward it. Last evaluated 2018-08-06.

Conditions:
PAH-related disorder. Also called: PAH-related condition.
Inborn genetic diseases. Identifiers: MedGen C0950123, MeSH D030342.
Phenylketonuria (PKU). Also called: FOLLING DISEASE; OLIGOPHRENIA PHENYLPYRUVICA; Phenylketonurias; Phenylketonuria (PKU). Identifiers: Orphanet 716, MedGen C0031485, MONDO:0009861, OMIM 261600. Disease mechanism: loss of function.

Allele frequency attached by ClinVar (database versions not stated): TOPMed 0.00077; gnomAD exomes 0.00135 and 0.00076; gnomAD 0.00086 and 0.00092; 1000 Genomes Project 30x 0.00031; 1000 Genomes Project 0.00040; ExAC 0.00066.
gnomAD v4.1: 2,136 of 1,613,656 alleles (0.13%); highest among the groups gnomAD compares: Non-Finnish European, 0.17%; no homozygotes.

Submissions 1 to 9 of 44:

ClinGen PAH Variant Curation Expert Panel
Classification: Pathogenic for Phenylketonuria. Last evaluated: 2018-08-06. Review status: reviewed by expert panel. Criteria: ClinGen PAH ACMG Specifications v1. Collection method: curation. Allele origin: germline. Inheritance: Autosomal recessive inheritance.
Comment: PAH-specific ACMG/AMP criteria applied: PP3: ; PS3: PMID 17935162: Table 1: p.Arg408Trp 1.85% WT activity PMID 25596310: 1.3% activity of WT (Table S4) (PMID:25596310; PMID:17935162); PP4_Moderate: most common PAH mutation in cohort; exclude BH4 deficiency. (PMID:25596310; PMID:9634518); PM3_Strong: Detected with IVS12+1G>A, M1V (Pathogenic/LP) (PMID:9634518; PMID:1971147; PMID:1609797). In summary this variant meets criteria to be classified as pathogenic for phenylketonuria in an autosomal recessive manner based on the ACMG/AMP criteria applied as specified by the PAH Expert Panel: (PP3, PS3, PP4_Moderate, PM3_Strong).

CeGaT Center for Human Genetics Tuebingen
Classification: Pathogenic. Last evaluated: 2026-09-01. Review status: criteria provided, single submitter. Criteria: CeGaT Center For Human Genetics Tuebingen Variant Classification Criteria Version 2. Collection method: clinical testing. Allele origin: germline. Affected: yes. Observed: 80 variant alleles. Not counted in ClinVar's aggregate classification.
Comment: PAH: PM3:Very Strong, PS3, PP4:Moderate, PM2:Supporting

PreventionGenetics, part of Exact Sciences
Classification: Pathogenic for PAH-related condition. Last evaluated: 2026-05-05. Review status: criteria provided, single submitter. Criteria: ACMG Guidelines, 2015. Collection method: clinical testing. Allele origin: germline. Not counted in ClinVar's aggregate classification.
Comment: The PAH c.1222C>T variant is predicted to result in the amino acid substitution p.Arg408Trp. This variant is one of the most commonly reported pathogenic PAH variants and has been associated with classical phenylketonuria (PKU) (DiLella et al. 1987. PubMed ID: 2884570; Guldberg et al. 1994. PubMed ID: 8088845; Danecka et al. 2015. PubMed ID: 25596310; Supplelmental Data, Hillert et al. 2020. PubMed ID: 32668217). The p.Arg408Trp amino acid change has been reported to reduce the activity of the PAH protein to <2% of wild-type, and is reported to result in a PAH protein that is non-responsive to tetrahydrobiopterin (BH4) (Zurflüh et al. 2008. PubMed ID: 17935162). The c.1222C>T variant is interpreted as pathogenic by the ClinGen PAH Variant Curation Expert Panel and other outside laboratories (Variation ID: 577). We also interpret this variant as pathogenic.

Dasa
Classification: Pathogenic. Last evaluated: 2026-04-18. Review status: criteria provided, single submitter. Criteria: DASA Assertion Criteria. Collection method: clinical testing. Allele origin: germline. Not counted in ClinVar's aggregate classification.
Comment: NM_000277.3(PAH):c.1222C>T (p.Arg408Trp) is a missense variant that results in the substitution of arginine with tryptophan. The affected residue or protein region has prior evidence supporting clinical relevance. This variant has been observed in affected individuals with related phenotype in a genotype context consistent with recessive disease (PMID: 9634518; PMID: 1971147; PMID: 33375644; PMID: 17935162). Functional evidence supports a deleterious effect on the gene or gene product (PMID: 9634518; PMID: 1971147; PMID: 33375644; PMID: 17935162). This variant has been recurrently observed in individuals with related phenotype (PMID: 9634518; PMID: 1971147; PMID: 33375644; PMID: 17935162). Multiple computational predictions support a deleterious effect on the gene or gene product. The variant is present at low frequency in population datasets. Based on the available data, this variant is classified as pathogenic.

Labcorp Genetics (formerly Invitae), Labcorp
Classification: Pathogenic for Phenylketonuria. Last evaluated: 2026-02-04. Review status: criteria provided, single submitter. Criteria: Invitae Variant Classification Sherloc (09022015). Collection method: clinical testing. Allele origin: germline. Not counted in ClinVar's aggregate classification.
Comment: This sequence change replaces arginine, which is basic and polar, with tryptophan, which is neutral and slightly polar, at codon 408 of the PAH protein (p.Arg408Trp). This variant is present in population databases (rs5030858, gnomAD 0.2%), and has an allele count higher than expected for a pathogenic variant. This missense change has been observed in individual(s) with phenylketonuria (PKU) and is the most prevalent and widely distributed PKU-causing allele in the European population (PMID: 2014036, 8097262, 12173030, 23430547, 25596310). In at least one individual the data is consistent with being in trans (on the opposite chromosome) from a pathogenic variant. It has also been observed to segregate with disease in related individuals. ClinVar contains an entry for this variant (Variation ID: 577). Invitae Evidence Modeling of protein sequence and biophysical properties (such as structural, functional, and spatial information, amino acid conservation, physicochemical variation, residue mobility, and thermodynamic stability) indicates that this missense variant is expected to disrupt PAH protein function with a positive predictive value of 80%. Experimental studies have shown that this missense change affects PAH function (PMID: 2014036, 12655546, 17935162, 18538294, 18937047, 19036622, 21953985). For these reasons, this variant has been classified as Pathogenic.

Institute of Human Genetics, University of Leipzig Medical Center
Classification: Pathogenic for Phenylketonuria. Last evaluated: 2026-02-03. Review status: criteria provided, single submitter. Criteria: ACMG Guidelines, 2015. Collection method: clinical testing. Allele origin: unknown. Inheritance: Autosomal recessive inheritance. Affected: yes. Not counted in ClinVar's aggregate classification.
Comment: Criteria applied: PM3_VSTR,PS3,PM5,PP3_MOD,PP4_MOD

3billion
Classification: Pathogenic for Phenylketonuria. Last evaluated: 2025-12-10. Review status: criteria provided, single submitter. Criteria: ACMG Guidelines, 2015. Collection method: clinical testing. Allele origin: germline. Affected: yes. Not counted in ClinVar's aggregate classification.
Comment: The variant is observed at an extremely low frequency in the gnomAD v4.1.0 dataset (total allele frequency: 0.132%). Predicted Consequence/Location: Missense variant Functional studies provide strong evidence of the variant having a damaging effect on the gene or gene product (PMID: 17935162, 25596310). In silico tool predictions suggest damaging effect of the variant on gene or gene product [REVEL: 0.89 (>=0.6, sensitivity 0.68 and specificity 0.92); 3Cnet: 0.99 (> 0.75, sensitivity 0.96 and precision 0.92)]. The same nucleotide change resulting in the same amino acid change has been previously reported as pathogenic/likely pathogenic with strong evidence (ClinVar ID: VCV000000577 /PMID: 2884570 /3billion dataset). The variant has been reported to be in trans with a pathogenic variant as either compound heterozygous or homozygous in at least 4 similarly affected unrelated individuals (PMID: 26481238). Different missense changes at the same codon (p.Arg408Gln, p.Arg408Leu) have been reported as pathogenic/likely pathogenic with strong evidence (ClinVar ID: VCV000000612 /PMID: 1312992, 28540274). Therefore, this variant is classified as Pathogenic according to the recommendation of ACMG/AMP guideline.

Natera, Inc.
Classification: Pathogenic for Phenylketonuria. Last evaluated: 2025-11-03. Review status: criteria provided, single submitter. Criteria: Natera Variant Classification Schema (03/2026). Collection method: clinical testing. Allele origin: germline. Not counted in ClinVar's aggregate classification.
Comment: The c.1222C>T variant in PAH is a missense variant predicted to cause substitution of arginine to tryptophan at amino acid 408. This variant is rare in the general population with a frequency below the threshold expected for the associated phenotype(s). This variant has been observed in one or more individuals affected with the associated recessive disease, as either homozygous or compound heterozygous with a second variant (PMID: 25596310). Given the available evidence, this variant is classified as Pathogenic.

GeneDx
Classification: Pathogenic. Last evaluated: 2025-10-30. Review status: criteria provided, single submitter. Criteria: GeneDx Variant Classification Process June 2021. Collection method: clinical testing. Allele origin: germline. Affected: yes. Not counted in ClinVar's aggregate classification.
Comment: Classified as not responsive to tetrahydrobiopterin (BH4) therapy (PMID: 17935162); In silico analysis supports that this missense variant has a deleterious effect on protein structure/function; This variant is associated with the following publications: (PMID: 12655546, 18538294, 19036622, 18937047, 21953985, 25087612, 20981092, 26210745, 24939588, 26919687, 12542580, 9452062, 12501224, 23792259, 22513348, 30963030, 1609797, 25596310, 9634518, 2014036, 17935162, 23559577, 23500595, 24401910, 22975760, 25750018, 26542770, 26803807, 2884570, 8889590, 27786189, 24741310, 29102225, 16338627, 19194782, 29499199, 1971147, 30037505, 29030855, 1355066, 31355225, 30747360, 34426522, 31589614, 33101986, 32853555, 1677425, 32778825, 33465300, 38105685, 29413232, 39039323, 33375644, 34900593, 35405047, 37924808, 30667134, 8825928, 36046396, 36646061, 37189584, 35270292, 36537053, 37443404, 36246604, 37421234, 38532509, 20217238, 38731816, 8188310)

NM_000277.3(PAH):c.1222C>T (p.Arg408Trp)

Gene: PAH (phenylalanine hydroxylase; minus strand). Cytogenetic location: 12q23.2.
Variant type: single nucleotide variant.
Coding change: c.1222C>T on transcript NM_000277.3 (MANE Select); coding-DNA position 1222, C replaced by T.
Protein change: p.Arg408Trp; replaces arginine 408 with tryptophan.
Molecular consequence: missense variant.
Genome position (GRCh38, 1-based): chr12:102,840,493, G>A on the plus strand (C>T on the coding strand, the complement: PAH is on the minus strand). VCF-style: chr12-102840493-G-A. GRCh37 (hg19) VCF-style: chr12-103234271-G-A.
Other names: p.R408W:CGG>TGG; NM_000277.1(PAH):c.1222C>T; c.1222C>T, p.Arg408Trp (NM_001354304.2); c.1222C>T (NM_000277.2); short protein forms R408W.
Identifiers: ClinVar variation 577 (VCV000000577.156), dbSNP rs5030858, ClinGen allele CA251523.